The following is an entry in ClinVar:

NM_000361.3(THBD):c.*47C>T

Gene: THBD (thrombomodulin; minus strand). Cytogenetic location: 20p11.21.
Variant type: single nucleotide variant.
Coding change: c.*47C>T on transcript NM_000361.3 (MANE Select); 47 bases downstream of the stop codon, C replaced by T.
Molecular consequence: 3 prime UTR variant.
Genome position (GRCh38, 1-based): chr20:23,047,730, G>A on the plus strand (C>T on the coding strand, the complement: THBD is on the minus strand). VCF-style: chr20-23047730-G-A. GRCh37 (hg19) VCF-style: chr20-23028367-G-A.
Identifiers: ClinVar variation 337878 (VCV000337878.5), dbSNP rs551028498, ClinGen allele CA9787491.
Genomic context (GRCh38, chr20:23,047,730, plus strand): 5'-GGAGGGTCTTCTCCAGCTGTAATGCCAGCTAAGGTGCTTTGGTAGCAAAGCTGGGGGTGA[G>A]GAGGCACAGGCTCCTGGACGGAGCCAGGCTCCTGGACGGAGGCCGCTCAGAGTCTCTGCG-3'

ClinVar aggregate classification (germline): Benign (1 of 4 stars; one submission).

Conditions:
Atypical hemolytic-uremic syndrome with thrombomodulin anomaly. Also called: HEMOLYTIC UREMIC SYNDROME, ATYPICAL, SUSCEPTIBILITY TO, 6; AHUS, SUSCEPTIBILITY TO, 6. Identifiers: MedGen C2752036, MONDO:0013044, OMIM 612926. Disease mechanism: gain of function.

Allele frequency attached by ClinVar (database versions not stated): gnomAD 0.00012; ExAC 0.00022; 1000 Genomes Project 0.00020; TOPMed 0.00022; 1000 Genomes Project 30x 0.00031.

Submission:

Illumina Laboratory Services, Illumina
Classification: Benign for Atypical hemolytic-uremic syndrome with thrombomodulin anomaly. Last evaluated: 2018-01-13. Review status: criteria provided, single submitter. Criteria: ICSL Variant Classification Criteria 13 December 2019. Collection method: clinical testing. Allele origin: germline.
Comment: This variant was observed in the ICSL laboratory as part of a predisposition screen in an ostensibly healthy population. It had not been previously curated by ICSL or reported in the Human Gene Mutation Database (HGMD: prior to June 1st, 2018), and was therefore a candidate for classification through an automated scoring system. Utilizing variant allele frequency, disease prevalence and penetrance estimates, and inheritance mode, an automated score was calculated to assess if this variant is too frequent to cause the disease. Based on the score and internal cut-off values, a variant classified as benign is not then subjected to further curation. The score for this variant resulted in a classification of benign for this disease.